The following is an entry in ClinVar:

NM_000388.4(CASR):c.2029T>C (p.Cys677Arg)

Gene: CASR (calcium sensing receptor; plus strand). Cytogenetic location: 3q21.1.
Variant type: single nucleotide variant.
Coding change: c.2029T>C on transcript NM_000388.4 (MANE Select); coding-DNA position 2029, T replaced by C.
Protein change: p.Cys677Arg; replaces cysteine 677 with arginine.
Molecular consequence: missense variant.
Genome position (GRCh38, 1-based): chr3:122,283,983, T>C. VCF-style: chr3-122283983-T-C. GRCh37 (hg19) VCF-style: chr3-122002830-T-C.
Other names: c.2059T>C, p.Cys687Arg (NM_001178065.2); short protein forms C677R, C687R.
Identifiers: ClinVar variation 3755578 (VCV003755578.2).

ClinVar aggregate classification (germline): Uncertain significance (1 of 4 stars; one submission).

Conditions:
Autosomal dominant hypocalcemia 1 (HYPOC1). Also called: HYPOCALCEMIA, FAMILIAL. Identifiers: MedGen C3715128, MONDO:0011013, OMIM 601198.
Familial hypocalciuric hypercalcemia (FHH). Also called: Familial benign hypercalcemia. Identifiers: Orphanet 405, MedGen C1809471, MONDO:0018458.

Submission:

Labcorp Genetics (formerly Invitae), Labcorp
Classification: Uncertain significance for Familial hypocalciuric hypercalcemia; Autosomal dominant hypocalcemia 1. Last evaluated: 2024-04-03. Review status: criteria provided, single submitter. Criteria: Invitae Variant Classification Sherloc (09022015). Collection method: clinical testing. Allele origin: germline.
Comment: This sequence change replaces cysteine, which is neutral and slightly polar, with arginine, which is basic and polar, at codon 677 of the CASR protein (p.Cys677Arg). This variant is not present in population databases (gnomAD no frequency). This variant has not been reported in the literature in individuals affected with CASR-related conditions. An algorithm developed to predict the effect of missense changes on protein structure and function (PolyPhen-2) suggests that this variant is likely to be disruptive. In summary, the available evidence is currently insufficient to determine the role of this variant in disease. Therefore, it has been classified as a Variant of Uncertain Significance.